The following is an entry in ClinVar:

ClinVar aggregate classification (germline): Uncertain significance. Review status: criteria provided, multiple submitters, no conflicts (2 of 4 stars). 2 submissions from 2 submitters: Uncertain significance (2). Last evaluated 2026-07-13.

Conditions:
Hereditary cancer-predisposing syndrome. Also called: Tumor predisposition; Hereditary Cancer Syndrome; Hereditary neoplastic syndrome; Neoplastic Syndromes, Hereditary. Identifiers: Orphanet 140162, MedGen C0027672, MeSH D009386, MONDO:0015356.
Renal cell carcinoma. Identifiers: Orphanet 217071, MedGen C0007134, MeSH D002292, MONDO:0005086, HP:0005584.

Submissions (2):

Ambry Genetics
Classification: Uncertain significance for Hereditary cancer-predisposing syndrome. Last evaluated: 2026-07-13. Review status: criteria provided, single submitter. Criteria: Ambry Variant Classification Scheme 2023. Collection method: clinical testing. Allele origin: germline.
Comment: The p.T698A variant (also known as c.2092A>G), located in coding exon 7 of the MET gene, results from an A to G substitution at nucleotide position 2092. The threonine at codon 698 is replaced by alanine, an amino acid with similar properties. This amino acid position is conserved. In addition, this alteration is predicted to be tolerated by in silico analysis. Based on the available evidence, the clinical significance of this variant remains unclear.

Labcorp Genetics (formerly Invitae), Labcorp
Classification: Uncertain significance for Renal cell carcinoma. Last evaluated: 2020-08-03. Review status: criteria provided, single submitter. Criteria: Invitae Variant Classification Sherloc (09022015). Collection method: clinical testing. Allele origin: germline.
Comment: In summary, the available evidence is currently insufficient to determine the role of this variant in disease. Therefore, it has been classified as a Variant of Uncertain Significance. Algorithms developed to predict the effect of missense changes on protein structure and function (SIFT, PolyPhen-2, Align-GVGD) all suggest that this variant is likely to be tolerated, but these predictions have not been confirmed by published functional studies and their clinical significance is uncertain. This variant has not been reported in the literature in individuals with MET-related conditions. This variant is not present in population databases (ExAC no frequency). This sequence change replaces threonine with alanine at codon 698 of the MET protein (p.Thr698Ala). The threonine residue is moderately conserved and there is a small physicochemical difference between threonine and alanine.

NM_000245.4(MET):c.2092A>G (p.Thr698Ala)

Gene: MET (MET proto-oncogene, receptor tyrosine kinase; plus strand). Cytogenetic location: 7q31.2.
Variant type: single nucleotide variant.
Coding change: c.2092A>G on transcript NM_000245.4 (MANE Select); coding-DNA position 2092, A replaced by G.
Protein change: p.Thr698Ala; replaces threonine 698 with alanine.
Molecular consequence: missense variant.
Genome position (GRCh38, 1-based): chr7:116,757,764, A>G. VCF-style: chr7-116757764-A-G. GRCh37 (hg19) VCF-style: chr7-116397818-A-G.
Other names: c.2092A>G (NM_001127500.1); c.2092A>G, p.Thr698Ala (NM_001127500.3, NM_001324401.3); c.802A>G, p.Thr268Ala (NM_001324402.2); short protein forms T268A, T698A.
Identifiers: ClinVar variation 1020823 (VCV001020823.9), dbSNP rs1794246284, ClinGen allele CA368980248.